The following is an entry in ClinVar:

NM_002168.4(IDH2):c.993G>A (p.Thr331=)

Gene: IDH2 (isocitrate dehydrogenase (NADP(+)) 2; minus strand). Cytogenetic location: 15q26.1.
Variant type: single nucleotide variant.
Coding change: c.993G>A on transcript NM_002168.4 (MANE Select); coding-DNA position 993, G replaced by A.
Protein change: p.Thr331=; no amino-acid change (threonine 331 retained).
Molecular consequence: synonymous variant.
Genome position (GRCh38, 1-based): chr15:90,085,362, C>T on the plus strand (G>A on the coding strand, the complement: IDH2 is on the minus strand). VCF-style: chr15-90085362-C-T. GRCh37 (hg19) VCF-style: chr15-90628594-C-T.
Other names: p.Thr331=; c.837G>A, p.Thr279= (NM_001289910.1); c.603G>A, p.Thr201= (NM_001290114.2).
Identifiers: ClinVar variation 158668 (VCV000158668.28), dbSNP rs61737002, ClinGen allele CA172306.

ClinVar aggregate classification (germline): Benign/Likely benign. Review status: criteria provided, multiple submitters, no conflicts (2 of 4 stars). 7 submissions from 7 submitters: Benign (2); Likely benign (5). Last evaluated 2026-01-24.

Conditions:
D-2-hydroxyglutaric aciduria 2 (D2HGA2). Identifiers: Orphanet 79315, MedGen C3150909, MONDO:0013345, OMIM 613657.

Allele frequency attached by ClinVar (database versions not stated): 1000 Genomes Project 0.01158; 1000 Genomes Project 30x 0.01249; TOPMed 0.01345; ESP Exome Variant Server 0.01567; gnomAD 0.01104.
gnomAD v4.1: 3,537 of 1,557,318 alleles (0.23%); highest among the groups gnomAD compares: African/African-American, 4.2%; 69 homozygotes.

Submissions (7):

Labcorp Genetics (formerly Invitae), Labcorp
Classification: Benign for D-2-hydroxyglutaric aciduria 2. Last evaluated: 2026-01-24. Review status: criteria provided, single submitter. Criteria: Invitae Variant Classification Sherloc (09022015). Collection method: clinical testing. Allele origin: germline.

CeGaT Center for Human Genetics Tuebingen
Classification: Benign. Last evaluated: 2025-04-01. Review status: criteria provided, single submitter. Criteria: CeGaT Center For Human Genetics Tuebingen Variant Classification Criteria Version 2. Collection method: clinical testing. Allele origin: germline. Affected: yes. Observed: 1 variant allele.
Comment: IDH2: BP4, BP7, BS1, BS2

Mayo Clinic Laboratories, Mayo Clinic
Classification: Likely benign. Last evaluated: 2025-02-19. Review status: criteria provided, single submitter. Criteria: ACMG Guidelines, 2015. Collection method: clinical testing. Allele origin: germline. Observed: 10 variant alleles.
Comment: BS1, BS2, BP4

Fulgent Genetics
Classification: Likely benign for D-2-hydroxyglutaric aciduria 2. Last evaluated: 2021-11-19. Review status: criteria provided, single submitter. Criteria: ACMG Guidelines, 2015. Collection method: clinical testing. Allele origin: unknown.

GeneDx
Classification: Likely benign. Last evaluated: 2021-03-01. Review status: criteria provided, single submitter. Criteria: GeneDx Variant Classification Process June 2021. Collection method: clinical testing. Allele origin: germline. Affected: yes.
Comment: See Variant Classification Assertion Criteria.

Genetic Services Laboratory, University of Chicago
Classification: Likely benign. Last evaluated: 2013-10-31. Review status: criteria provided, single submitter. Criteria: ACMG Guidelines, 2007. Collection method: clinical testing. Allele origin: germline. Inheritance: Autosomal dominant inheritance.
Comment: Likely benign based on allele frequency in 1000 Genomes Project or ESP global frequency and its presence in a patient with a rare or unrelated disease phenotype. NOT Sanger confirmed

Breakthrough Genomics
Classification: Likely benign. Review status: criteria provided, single submitter. Criteria: ACMG Guidelines, 2015. Collection method: not provided. Allele origin: germline. Inheritance: Unknown mechanism. Affected: yes.